The following is an entry in ClinVar:

NM_000368.5(TSC1):c.2357G>T (p.Arg786Leu)

Gene: TSC1 (TSC complex subunit 1; minus strand). Cytogenetic location: 9q34.13.
Variant type: single nucleotide variant.
Coding change: c.2357G>T on transcript NM_000368.5 (MANE Select); coding-DNA position 2357, G replaced by T.
Protein change: p.Arg786Leu; replaces arginine 786 with leucine.
Molecular consequence: missense variant.
Genome position (GRCh38, 1-based): chr9:132,902,639, C>A on the plus strand (G>T on the coding strand, the complement: TSC1 is on the minus strand). VCF-style: chr9-132902639-C-A. GRCh37 (hg19) VCF-style: chr9-135778026-C-A.
Other names: c.2354G>T, p.Arg785Leu (NM_001162426.2, NM_001406597.1, NM_001406598.1 and 4 more transcripts); c.2204G>T, p.Arg735Leu (NM_001162427.2, NM_001406610.1); c.1994G>T, p.Arg665Leu (NM_001362177.2, NM_001406624.1, NM_001406614.1 and 5 more transcripts); c.2357G>T, p.Arg786Leu (NM_001406592.1, NM_001406593.1, NM_001406594.1 and 5 more transcripts); c.2342G>T, p.Arg781Leu (NM_001406601.1, NM_001406602.1); c.2339G>T, p.Arg780Leu (NM_001406603.1, NM_001406604.1); c.2201G>T, p.Arg734Leu (NM_001406611.1, NM_001406612.1, NM_001406613.1); c.1991G>T, p.Arg664Leu (NM_001406625.1, NM_001406620.1, NM_001406621.1 and 2 more transcripts); and 3 more; short protein forms R469L, R734L, R785L, R468L, R664L, R786L, R781L, R435L.
Identifiers: ClinVar variation 1980616 (VCV001980616.5), dbSNP rs1336228562, ClinGen allele CA375359288.
Genomic context (GRCh38, chr9:132,902,639, plus strand): 5'-GCTTTGCCTGGTGCTGCAGTTTATACCTGTAATTCCTGGCTCTGGTTGTAGAATTCCTCT[C>A]GGTCATGCTGCAGCTGTCTGATCTGGCTGTGGAGCTTGGTTACCATAGTGTCACGCTGCT-3'
Protein context (NP_000359.1, residues 776-796): HSQIRQLQHD[Arg786Leu]EEFYNQSQEL

ClinVar aggregate classification (germline): Uncertain significance. Review status: criteria provided, multiple submitters, no conflicts (2 of 4 stars). 2 submissions from 2 submitters: Uncertain significance (2). Last evaluated 2025-04-10.

Conditions:
Tuberous sclerosis 1 (TSC1). Identifiers: Orphanet 805, MedGen C1854465, MONDO:0008612, OMIM 191100.
Hereditary cancer-predisposing syndrome. Also called: Hereditary neoplastic syndrome; Neoplastic Syndromes, Hereditary; Tumor predisposition; Hereditary Cancer Syndrome. Identifiers: Orphanet 140162, MedGen C0027672, MeSH D009386, MONDO:0015356.

Submissions (2):

Ambry Genetics
Classification: Uncertain significance for Hereditary cancer-predisposing syndrome. Last evaluated: 2025-04-10. Review status: criteria provided, single submitter. Criteria: Ambry Variant Classification Scheme 2023. Collection method: clinical testing. Allele origin: germline.
Comment: The p.R786L variant (also known as c.2357G>T), located in coding exon 16 of the TSC1 gene, results from a G to T substitution at nucleotide position 2357. The arginine at codon 786 is replaced by leucine, an amino acid with dissimilar properties. This amino acid position is conserved. In addition, this alteration is predicted to be deleterious by in silico analysis. Based on the available evidence, the clinical significance of this variant remains unclear.

Labcorp Genetics (formerly Invitae), Labcorp
Classification: Uncertain significance for Tuberous sclerosis 1. Last evaluated: 2022-03-03. Review status: criteria provided, single submitter. Criteria: Invitae Variant Classification Sherloc (09022015). Collection method: clinical testing. Allele origin: germline.
Comment: In summary, the available evidence is currently insufficient to determine the role of this variant in disease. Therefore, it has been classified as a Variant of Uncertain Significance. Algorithms developed to predict the effect of missense changes on protein structure and function are either unavailable or do not agree on the potential impact of this missense change (SIFT: "Deleterious"; PolyPhen-2: "Benign"; Align-GVGD: "Class C0"). This variant has not been reported in the literature in individuals affected with TSC1-related conditions. This variant is not present in population databases (gnomAD no frequency). This sequence change replaces arginine, which is basic and polar, with leucine, which is neutral and non-polar, at codon 786 of the TSC1 protein (p.Arg786Leu).